The following is an entry in ClinVar:

NM_001453.3(FOXC1):c.1140dup (p.Ala381fs)

Gene: FOXC1 (forkhead box C1; plus strand). Cytogenetic location: 6p25.3.
Variant type: Duplication.
Coding change: c.1140dup on transcript NM_001453.3 (MANE Select); coding-DNA position 1140, one base duplicated (C; older notation c.1140dupC).
Protein change: p.Ala381fs; shifts the reading frame from alanine 381.
Molecular consequence: frameshift variant.
Genome position (GRCh38, 1-based): chr6:1,611,585, C duplicated. VCF-style (leftmost placement, unchanged base first): chr6-1611584-G-GC. GRCh37 (hg19) VCF-style: chr6-1611819-G-GC.
Other names: short protein forms A381fs.
Identifiers: ClinVar variation 2705438 (VCV002705438.3), dbSNP rs2480505650, ClinGen allele CA1085283885.

ClinVar aggregate classification (germline): Pathogenic (1 of 4 stars; one submission).

Conditions:
Axenfeld-Rieger syndrome type 3 (RIEG3). Also called: AXENFELD-RIEGER ANOMALY WITH CARDIAC DEFECTS AND/OR SENSORINEURAL HEARING LOSS. Identifiers: Orphanet 782, MedGen C2678503, MONDO:0011233, OMIM 602482.

Submission:

Labcorp Genetics (formerly Invitae), Labcorp
Classification: Pathogenic for Axenfeld-Rieger syndrome type 3. Last evaluated: 2025-02-27. Review status: criteria provided, single submitter. Criteria: Invitae Variant Classification Sherloc (09022015). Collection method: clinical testing. Allele origin: germline.
Comment: This sequence change creates a premature translational stop signal (p.Ala381Argfs*147) in the FOXC1 gene. While this is not anticipated to result in nonsense mediated decay, it is expected to disrupt the last 173 amino acid(s) of the FOXC1 protein. The frequency data for this variant in the population databases is considered unreliable, as metrics indicate insufficient coverage at this position in the gnomAD database. This variant has not been reported in the literature in individuals affected with FOXC1-related conditions. ClinVar contains an entry for this variant (Variation ID: 2705438). This variant disrupts a region of the FOXC1 protein in which other variant(s) (p.Tyr497*) have been determined to be pathogenic (PMID: 28513611; internal data). This suggests that this is a clinically significant region of the protein, and that variants that disrupt it are likely to be disease-causing. For these reasons, this variant has been classified as Pathogenic.

Literature cited by the submitters: PubMed 28513611.